The following is an entry in ClinVar:

NM_022051.3(EGLN1):c.939T>C (p.His313=)

Gene: EGLN1 (egl-9 family hypoxia inducible factor 1; minus strand). Cytogenetic location: 1q42.2.
Variant type: single nucleotide variant.
Coding change: c.939T>C on transcript NM_022051.3 (MANE Select); coding-DNA position 939, T replaced by C.
Protein change: p.His313=; no amino-acid change (histidine 313 retained).
Molecular consequence: synonymous variant.
Genome position (GRCh38, 1-based): chr1:231,374,052, A>G on the plus strand (T>C on the coding strand, the complement: EGLN1 is on the minus strand). VCF-style: chr1-231374052-A-G. GRCh37 (hg19) VCF-style: chr1-231509798-A-G.
Other names: c.939T>C, p.His313= (NM_001377260.1, NM_001377261.1).
Identifiers: ClinVar variation 1113067 (VCV001113067.23), dbSNP rs777082260, ClinGen allele CA1453055.

ClinVar aggregate classification (germline): Likely benign. Review status: criteria provided, multiple submitters, no conflicts (2 of 4 stars). 3 submissions from 3 submitters: Likely benign (3). Last evaluated 2025-06-03.

Conditions:
Erythrocytosis, familial, 3 (ECYT3). Identifiers: Orphanet 247511, MedGen C1853286, MONDO:0012353, OMIM 609820.

Allele frequency attached by ClinVar (database versions not stated): TOPMed 0.00008; gnomAD 0.00004 and 0.00006; gnomAD exomes 0.00004 and 0.00005; ExAC 0.00007.
gnomAD v4.1: 77 of 1,613,428 alleles (0.0048%); highest among the groups gnomAD compares: Middle Eastern, 0.016%; no homozygotes.

Submissions (3):

Labcorp Genetics (formerly Invitae), Labcorp
Classification: Likely benign for Erythrocytosis, familial, 3. Last evaluated: 2025-06-03. Review status: criteria provided, single submitter. Criteria: Invitae Variant Classification Sherloc (09022015). Collection method: clinical testing. Allele origin: germline.

CeGaT Center for Human Genetics Tuebingen
Classification: Likely benign. Last evaluated: 2024-11-01. Review status: criteria provided, single submitter. Criteria: CeGaT Center For Human Genetics Tuebingen Variant Classification Criteria Version 2. Collection method: clinical testing. Allele origin: germline. Affected: yes. Observed: 1 variant allele.
Comment: EGLN1: BP4, BP7

Ambry Genetics
Classification: Likely benign. Last evaluated: 2022-03-14. Review status: criteria provided, single submitter. Criteria: Ambry Variant Classification Scheme 2023. Collection method: clinical testing. Allele origin: germline.